The following is an entry in ClinVar:

NM_000396.4(CTSK):c.338del (p.Gly113fs)

Gene: CTSK (cathepsin K; minus strand). Cytogenetic location: 1q21.3.
Variant type: Deletion.
Coding change: c.338del on transcript NM_000396.4 (MANE Select); coding-DNA position 338, one base deleted (G; older notation c.338delG).
Protein change: p.Gly113fs; shifts the reading frame from glycine 113.
Molecular consequence: frameshift variant.
Genome position (GRCh38, 1-based): chr1:150,805,922, C deleted on the plus strand (G on the coding strand, the reverse complement: CTSK is on the minus strand); the first of 2 consecutive C bases (chr1:150,805,922-150,805,923); deleting either gives the same sequence. VCF-style (leftmost placement, unchanged base first): chr1-150805921-AC-A. GRCh37 (hg19) VCF-style: chr1-150778397-AC-A.
Other names: short protein forms G113fs.
Identifiers: ClinVar variation 3384131 (VCV003384131.3).
Genomic context (GRCh38, chr1:150,805,921, plus strand): 5'-CTGATTTTTGACAGGAGTAACATATCCTTTCTTTCGATAGTCGACAGAGTCTGGGGCTCT[AC>A]CTTCCCATTCTGGGATATAAAGGGTGTCATTACTGCGGGAATGAGACAGGGGTACTTTGA-3'

ClinVar aggregate classification (germline): Pathogenic/Likely pathogenic. Review status: criteria provided, multiple submitters, no conflicts (2 of 4 stars). 3 submissions from 3 submitters: Pathogenic (1); Likely pathogenic (2). Last evaluated 2026-02-18.

Conditions:
Pyknodysostosis. Also called: Pycnodysostosis. Identifiers: Orphanet 763, MedGen C0238402, MONDO:0009940, OMIM 265800.

Submissions (3):

GeneDx
Classification: Likely pathogenic. Last evaluated: 2026-02-18. Review status: criteria provided, single submitter. Criteria: GeneDx Variant Classification Process June 2021. Collection method: clinical testing. Allele origin: germline.
Comment: Frameshift variant predicted to result in protein truncation or nonsense mediated decay in a gene for which loss of function is a known mechanism of disease; Not observed at significant frequency in large population cohorts (gnomAD); Has not been previously published as pathogenic or benign to our knowledge

Labcorp Genetics (formerly Invitae), Labcorp
Classification: Pathogenic. Last evaluated: 2025-12-06. Review status: criteria provided, single submitter. Criteria: Invitae Variant Classification Sherloc (09022015). Collection method: clinical testing. Allele origin: germline.
Comment: This sequence change creates a premature translational stop signal (p.Gly113Valfs*48) in the CTSK gene. It is expected to result in an absent or disrupted protein product. Loss-of-function variants in CTSK are known to be pathogenic (PMID: 12125807, 21569238). This variant is not present in population databases (gnomAD no frequency). This variant has not been reported in the literature in individuals affected with CTSK-related conditions. ClinVar contains an entry for this variant (Variation ID: 3384131). For these reasons, this variant has been classified as Pathogenic.

Dubai Health Genomic Medicine Center, Dubai Health
Classification: Likely pathogenic for Pycnodysostosis. Last evaluated: 2024-10-04. Review status: criteria provided, single submitter. Criteria: ACMG Guidelines, 2015. Collection method: research. Allele origin: germline. Affected: yes.
Comment: PVS1,PM2

Literature cited by the submitters: PubMed 12125807 (cited by Labcorp Genetics (formerly Invitae), Labcorp); PubMed 21569238 (cited by Labcorp Genetics (formerly Invitae), Labcorp).